The following is an entry in ClinVar:

NM_024915.4(GRHL2):c.69C>G (p.Phe23Leu)

Gene: GRHL2 (grainyhead like transcription factor 2; plus strand). Cytogenetic location: 8q22.3.
Variant type: single nucleotide variant.
Coding change: c.69C>G on transcript NM_024915.4 (MANE Select); coding-DNA position 69, C replaced by G.
Protein change: p.Phe23Leu; replaces phenylalanine 23 with leucine.
Molecular consequence: missense variant.
Genome position (GRCh38, 1-based): chr8:101,543,289, C>G. VCF-style: chr8-101543289-C-G. GRCh37 (hg19) VCF-style: chr8-102555517-C-G.
Other names: c.69C>G (NM_024915.3); c.21C>G, p.Phe7Leu (NM_001330593.2); short protein forms F23L, F7L.
Identifiers: ClinVar variation 2068234 (VCV002068234.6), dbSNP rs778497540, ClinGen allele CA4830210.

ClinVar aggregate classification (germline): Uncertain significance. Review status: criteria provided, multiple submitters, no conflicts (2 of 4 stars). 3 submissions from 3 submitters: Uncertain significance (3). Last evaluated 2025-12-09.

Conditions:
Inborn genetic diseases. Identifiers: MedGen C0950123, MeSH D030342.

Allele frequency attached by ClinVar (database versions not stated): ExAC 0.00004; TOPMed 0.00002; gnomAD exomes 0.00004.
gnomAD v4.1: 60 of 1,613,950 alleles (0.0037%); highest among the groups gnomAD compares: Non-Finnish European, 0.0047%; no homozygotes.

Submissions (3):

Ambry Genetics
Classification: Uncertain significance for Inborn genetic diseases. Last evaluated: 2025-12-09. Review status: criteria provided, single submitter. Criteria: Ambry Variant Classification Scheme 2023. Collection method: clinical testing. Allele origin: germline.

Labcorp Genetics (formerly Invitae), Labcorp
Classification: Uncertain significance. Last evaluated: 2024-10-25. Review status: criteria provided, single submitter. Criteria: Invitae Variant Classification Sherloc (09022015). Collection method: clinical testing. Allele origin: germline.
Comment: This sequence change replaces phenylalanine, which is neutral and non-polar, with leucine, which is neutral and non-polar, at codon 23 of the GRHL2 protein (p.Phe23Leu). This variant is present in population databases (rs778497540, gnomAD 0.006%). This variant has not been reported in the literature in individuals affected with GRHL2-related conditions. ClinVar contains an entry for this variant (Variation ID: 2068234). An algorithm developed to predict the effect of missense changes on protein structure and function (PolyPhen-2) suggests that this variant is likely to be tolerated. In summary, the available evidence is currently insufficient to determine the role of this variant in disease. Therefore, it has been classified as a Variant of Uncertain Significance.

GeneDx
Classification: Uncertain significance. Last evaluated: 2023-09-26. Review status: criteria provided, single submitter. Criteria: GeneDx Variant Classification Process June 2021. Collection method: clinical testing. Allele origin: germline. Affected: yes.
Comment: In silico analysis supports that this missense variant does not alter protein structure/function; Has not been previously published as pathogenic or benign to our knowledge